The following is an entry in ClinVar:

NC_000013.10:g.(?_32889616)_(32929426_32930564)dup

Gene: BRCA2 (BRCA2 DNA repair associated; plus strand). Cytogenetic location: 13q13.1.
Variant type: Duplication.
Identifiers: ClinVar variation 1704576 (VCV001704576.1).

ClinVar aggregate classification (germline): Uncertain significance (1 of 4 stars; one submission).

Submission:

Women's Health and Genetics/Laboratory Corporation of America, LabCorp
Classification: Uncertain significance. Last evaluated: 2022-07-28. Review status: criteria provided, single submitter. Criteria: LabCorp Variant Classification Summary - May 2015. Collection method: clinical testing. Allele origin: germline.
Comment: Variant summary: The variant identified by MLPA or other technology involves the duplication of exons 1-14 in the BRCA2 gene, which includes the initiation codon. A presumed nomenclature of c.(?_-228)_(7435+1_7436-1)dup has been designated for the purposes of this classification. It has been assumed that this is a tandem duplication in direct orientation (Richardson_GIM_2018, Newman_AJHG_2015). The variant was absent in 21692 control chromosomes (gnomAD, Structural Variants dataset). The available data on variant occurrences in the general population are insufficient to allow any conclusion about variant significance. To our knowledge, no occurrence of c.(?_-228)_(7435+1_7436-1)dup in individuals affected with Hereditary Breast And Ovarian Cancer Syndrome and no experimental evidence demonstrating its impact on protein function have been reported. No clinical diagnostic laboratories have submitted clinical-significance assessments for this variant to ClinVar after 2014. Based on the evidence outlined above, the variant was classified as uncertain significance.